The following is an entry in ClinVar:

NM_001366385.1(CARD14):c.349G>C (p.Gly117Arg)

Gene: CARD14 (caspase recruitment domain family member 14; plus strand). Cytogenetic location: 17q25.3.
Variant type: single nucleotide variant.
Coding change: c.349G>C on transcript NM_001366385.1 (MANE Select); coding-DNA position 349, G replaced by C.
Protein change: p.Gly117Arg; replaces glycine 117 with arginine.
Molecular consequence: missense variant. On other transcripts: non-coding transcript variant (1).
Genome position (GRCh38, 1-based): chr17:80,182,790, G>C. VCF-style: chr17-80182790-G-C. GRCh37 (hg19) VCF-style: chr17-78156589-G-C.
Other names: c.349G>C, p.Gly117Arg (NM_001257970.1, NM_024110.4); short protein forms G117R.
Identifiers: ClinVar variation 4783639 (VCV004783639.1).
Genomic context (GRCh38, chr17:80,182,790, plus strand): 5'-CCTGACGTCTACACCCTGGTCACCGGGCTGCAGCCTGATGTTGACTTCAGTAACTTTAGC[G>C]GTGAGAGCTCCGACTTTGACGGTTTGGCAGGCACTTCTAGGAACCTCAGGCTCCTGGTAA-3'
Protein context (NP_001353314.1, residues 107-127): QPDVDFSNFS[Gly117Arg]LMETSKLTEC

ClinVar aggregate classification (germline): Uncertain significance (1 of 4 stars; one submission).

Conditions:
Psoriasis 2. Identifiers: MedGen C1864497, MONDO:0011269, OMIM 602723.
Pityriasis rubra pilaris (PRP). Also called: Pityriasis rubra pilaris--familial type. Identifiers: Orphanet 2897, MedGen C0032027, MONDO:0100017, OMIM 173200, MONDO:0008251.

Submission:

Labcorp Genetics (formerly Invitae), Labcorp
Classification: Uncertain significance for Pityriasis rubra pilaris; Psoriasis 2. Last evaluated: 2025-07-01. Review status: criteria provided, single submitter. Criteria: Invitae Variant Classification Sherloc (09022015). Collection method: clinical testing. Allele origin: germline.
Comment: This sequence change replaces glycine, which is neutral and non-polar, with arginine, which is basic and polar, at codon 117 of the CARD14 protein (p.Gly117Arg). This variant also falls at the last nucleotide of exon 3, which is part of the consensus splice site for this exon. This variant is not present in population databases (gnomAD no frequency). This variant has not been reported in the literature in individuals affected with CARD14-related conditions. Invitae Evidence Modeling of protein sequence and biophysical properties (such as structural, functional, and spatial information, amino acid conservation, physicochemical variation, residue mobility, and thermodynamic stability) has been performed for this missense variant. However, the output from this modeling did not meet the statistical confidence thresholds required to predict the impact of this variant on CARD14 protein function. Variants that disrupt the consensus splice site are a relatively common cause of aberrant splicing (PMID: 17576681, 9536098). Algorithms developed to predict the effect of sequence changes on RNA splicing suggest that this variant may disrupt the consensus splice site. In summary, the available evidence is currently insufficient to determine the role of this variant in disease. Therefore, it has been classified as a Variant of Uncertain Significance.

Literature cited by the submitters: PubMed 17576681; PubMed 9536098.